The following is an entry in ClinVar:

NM_017547.4(FOXRED1):c.1454T>A (p.Ile485Asn)

Gene: FOXRED1 (FAD dependent oxidoreductase domain containing 1; plus strand). Cytogenetic location: 11q24.2.
Variant type: single nucleotide variant.
Coding change: c.1454T>A on transcript NM_017547.4 (MANE Select); coding-DNA position 1454, T replaced by A.
Protein change: p.Ile485Asn; replaces isoleucine 485 with asparagine.
Molecular consequence: missense variant. On other transcripts: non-coding transcript variant (2).
Genome position (GRCh38, 1-based): chr11:126,277,682, T>A. VCF-style: chr11-126277682-T-A. GRCh37 (hg19) VCF-style: chr11-126147577-T-A.
Other names: short protein forms I485N.
Identifiers: ClinVar variation 452423 (VCV000452423.10), dbSNP rs770063137, ClinGen allele CA6354474.

ClinVar aggregate classification (germline): Uncertain significance. Review status: criteria provided, multiple submitters, no conflicts (2 of 4 stars). 7 submissions from 7 submitters: Uncertain significance (7). Last evaluated 2024-10-29.

Conditions:
Inborn genetic diseases. Identifiers: MedGen C0950123, MeSH D030342.
Leigh syndrome (NULS). Also called: LEIGH SYNDROME, NUCLEAR; Leigh's syndrome; Leigh's necrotizing encephalopathy; Leigh's disease; Leigh Syndrome (mtDNA deletion); Leigh Disease. Identifiers: Orphanet 506, MedGen C2931891, MONDO:0009723, OMIM 256000.
Mitochondrial complex I deficiency, nuclear type 19. Also called: Mitochondrial complex 1 deficiency, nuclear type 19. Identifiers: MedGen C4748791, MONDO:0032624, OMIM 618241.
Developmental delay. Also called: Delayed development. Identifiers: MedGen C0424605.

Allele frequency attached by ClinVar (database versions not stated): ExAC 0.00002; gnomAD 0.00003 and 0.00004; gnomAD exomes 0.00005; TOPMed 0.00009.

Submissions (7):

GeneDx
Classification: Uncertain significance. Last evaluated: 2024-10-29. Review status: criteria provided, single submitter. Criteria: GeneDx Variant Classification Process June 2021. Collection method: clinical testing. Allele origin: germline. Affected: yes.
Comment: In silico analysis supports that this missense variant has a deleterious effect on protein structure/function; Has not been previously published as pathogenic or benign to our knowledge

Ambry Genetics
Classification: Uncertain significance for Inborn genetic diseases. Last evaluated: 2024-09-02. Review status: criteria provided, single submitter. Criteria: Ambry Variant Classification Scheme 2023. Collection method: clinical testing. Allele origin: germline.

Blueprint Genetics
Classification: Uncertain significance. Last evaluated: 2024-08-22. Review status: criteria provided, single submitter. Criteria: ACMG Guidelines, 2015. Collection method: clinical testing. Allele origin: germline.

Labcorp Genetics (formerly Invitae), Labcorp
Classification: Uncertain significance. Last evaluated: 2022-08-22. Review status: criteria provided, single submitter. Criteria: Invitae Variant Classification Sherloc (09022015). Collection method: clinical testing. Allele origin: germline.
Comment: This sequence change replaces isoleucine, which is neutral and non-polar, with asparagine, which is neutral and polar, at codon 485 of the FOXRED1 protein (p.Ile485Asn). This variant is present in population databases (rs770063137, gnomAD 0.03%). This variant has not been reported in the literature in individuals affected with FOXRED1-related conditions. ClinVar contains an entry for this variant (Variation ID: 452423). Algorithms developed to predict the effect of missense changes on protein structure and function (SIFT, PolyPhen-2, Align-GVGD) all suggest that this variant is likely to be tolerated. In summary, the available evidence is currently insufficient to determine the role of this variant in disease. Therefore, it has been classified as a Variant of Uncertain Significance.

Department of Pathology and Laboratory Medicine, Sinai Health System
Classification: Uncertain significance for Mitochondrial complex I deficiency, nuclear type 19. Last evaluated: 2021-07-30. Review status: criteria provided, single submitter. Criteria: ACMG Guidelines, 2015. Collection method: research. Allele origin: germline.

Baylor Genetics
Classification: Uncertain significance for Leigh syndrome. Last evaluated: 2018-11-26. Review status: criteria provided, single submitter. Criteria: ACMG Guidelines, 2015. Collection method: clinical testing. Allele origin: maternal. Affected: yes.
Comment: This variant was determined to be of uncertain significance according to ACMG Guidelines, 2015 [PMID:25741868].

Clinical Molecular Genetics Laboratory, Johns Hopkins All Children's Hospital
Classification: Uncertain significance for developmental delay. Last evaluated: 2017-08-09. Review status: criteria provided, single submitter. Criteria: ACMG Guidelines, 2015. Collection method: clinical testing. Allele origin: germline. Affected: yes.